The following is an entry in ClinVar:

NM_017491.5(WDR1):c.740C>G (p.Thr247Ser)

Gene: WDR1 (WD repeat domain 1; minus strand). Cytogenetic location: 4p16.1.
Variant type: single nucleotide variant.
Coding change: c.740C>G on transcript NM_017491.5 (MANE Select); coding-DNA position 740, C replaced by G.
Protein change: p.Thr247Ser; replaces threonine 247 with serine.
Molecular consequence: missense variant.
Genome position (GRCh38, 1-based): chr4:10,087,918, G>C on the plus strand (C>G on the coding strand, the complement: WDR1 is on the minus strand). VCF-style: chr4-10087918-G-C. GRCh37 (hg19) VCF-style: chr4-10089542-G-C.
Other names: c.320C>G, p.Thr107Ser (NM_005112.5); short protein forms T247S, T107S.
Identifiers: ClinVar variation 1522004 (VCV001522004.8), dbSNP rs2109656493, ClinGen allele CA356362145.

ClinVar aggregate classification (germline): Uncertain significance (1 of 4 stars; one submission).

Submission:

Labcorp Genetics (formerly Invitae), Labcorp
Classification: Uncertain significance. Last evaluated: 2025-11-24. Review status: criteria provided, single submitter. Criteria: Invitae Variant Classification Sherloc (09022015). Collection method: clinical testing. Allele origin: germline.
Comment: This sequence change replaces threonine, which is neutral and polar, with serine, which is neutral and polar, at codon 247 of the WDR1 protein (p.Thr247Ser). This variant is not present in population databases (gnomAD no frequency). This variant has not been reported in the literature in individuals affected with WDR1-related conditions. ClinVar contains an entry for this variant (Variation ID: 1522004). An algorithm developed to predict the effect of missense changes on protein structure and function outputs the following: PolyPhen-2: "Benign". The serine amino acid residue is found in multiple mammalian species, which suggests that this missense change does not adversely affect protein function. In summary, the available evidence is currently insufficient to determine the role of this variant in disease. Therefore, it has been classified as a Variant of Uncertain Significance.